The following is an entry in ClinVar:

ClinVar aggregate classification (germline): Uncertain significance (1 of 4 stars; one submission).

Conditions:
Cystic fibrosis (CF). Also called: MUCOVISCIDOSIS. Identifiers: Orphanet 586, MedGen C0010674, MONDO:0009061, OMIM 219700. Disease mechanism: loss of function.

Submission:

Ambry Genetics
Classification: Uncertain significance for Cystic fibrosis. Last evaluated: 2025-08-14. Review status: criteria provided, single submitter. Criteria: Ambry Variant Classification Scheme 2023. Collection method: clinical testing. Allele origin: germline.
Comment: The p.V1008L variant (also known as c.3022G>C), located in coding exon 19 of the CFTR gene, results from a G to C substitution at nucleotide position 3022. The valine at codon 1008 is replaced by leucine, an amino acid with highly similar properties. This amino acid position is conserved. In addition, this alteration is predicted to be deleterious by in silico analysis. Based on the available evidence, the clinical significance of this variant remains unclear.

NM_000492.4(CFTR):c.3022G>C (p.Val1008Leu)

Genes: CFTR (CF transmembrane conductance regulator; plus strand), CFTR-AS2 (CFTR antisense RNA 2; minus strand), LOC111674472 (DNase I hypersensitive sites in introns 16 and 17a of CFTR; plus strand). Cytogenetic location: 7q31.2.
Variant type: single nucleotide variant.
Coding change: c.3022G>C on transcript NM_000492.4 (MANE Select); coding-DNA position 3022, G replaced by C.
Protein change: p.Val1008Leu; replaces valine 1008 with leucine.
Molecular consequence: missense variant.
Genome position (GRCh38, 1-based): chr7:117,610,552, G>C. VCF-style: chr7-117610552-G-C. GRCh37 (hg19) VCF-style: chr7-117250606-G-C.
Other names: short protein forms V1008L.
Identifiers: ClinVar variation 4227433 (VCV004227433.1).